The following is an entry in ClinVar:

ClinVar aggregate classification (germline): Uncertain significance (1 of 4 stars; one submission).

Submission:

GeneDx
Classification: Uncertain significance. Last evaluated: 2022-12-18. Review status: criteria provided, single submitter. Criteria: GeneDx Variant Classification Process June 2021. Collection method: clinical testing. Allele origin: germline. Affected: yes.
Comment: Also known as p.(E690*); Nonsense variant predicted to result in protein truncation or nonsense mediated decay in a gene or region of a gene for which loss of function is not a known mechanism of disease; Not observed at significant frequency in large population cohorts (gnomAD); Has not been previously published as pathogenic or benign to our knowledge

NM_001243133.2(NLRP3):c.2068G>T (p.Glu690Ter)

Gene: NLRP3 (NLR family pyrin domain containing 3; plus strand). Cytogenetic location: 1q44.
Variant type: single nucleotide variant.
Coding change: c.2068G>T on transcript NM_001243133.2 (MANE Select); coding-DNA position 2068, G replaced by T.
Protein change: p.Glu690Ter; replaces glutamic acid 690 with a stop codon.
Molecular consequence: nonsense.
Genome position (GRCh38, 1-based): chr1:247,425,517, G>T. VCF-style: chr1-247425517-G-T. GRCh37 (hg19) VCF-style: chr1-247588819-G-T.
Other names: c.2068G>T, p.Glu690Ter (NM_001079821.3, NM_001127461.3, NM_001127462.3 and 1 more transcripts); c.2074G>T, p.Glu692Ter (NM_004895.5); short protein forms E690*, E692*.
Identifiers: ClinVar variation 2505838 (VCV002505838.1), dbSNP rs180177495, ClinGen allele CA345558593.